The following is an entry in ClinVar:

NM_020987.5(ANK3):c.10646G>A (p.Arg3549Gln)

Gene: ANK3 (ankyrin 3; minus strand). Cytogenetic location: 10q21.2.
Variant type: single nucleotide variant.
Coding change: c.10646G>A on transcript NM_020987.5 (MANE Select); coding-DNA position 10646, G replaced by A.
Protein change: p.Arg3549Gln; replaces arginine 3549 with glutamine.
Molecular consequence: missense variant. On other transcripts: intron variant (4).
Genome position (GRCh38, 1-based): chr10:60,070,235, C>T on the plus strand (G>A on the coding strand, the complement: ANK3 is on the minus strand). VCF-style: chr10-60070235-C-T. GRCh37 (hg19) VCF-style: chr10-61829993-C-T.
Other names: c.4388-2226G>A (NM_001204403.2); c.4409-2226G>A (NM_001204404.2); c.4406-2226G>A (NM_001320874.2); c.1808-2226G>A (NM_001149.4); short protein forms R3549Q.
Identifiers: ClinVar variation 4051955 (VCV004051955.2).

ClinVar aggregate classification (germline): Uncertain significance. Review status: criteria provided, multiple submitters, no conflicts (2 of 4 stars). 2 submissions from 2 submitters: Uncertain significance (2). Last evaluated 2026-03-31.

Conditions:
Inborn genetic diseases. Identifiers: MedGen C0950123, MeSH D030342.

gnomAD v4.1: 35 of 1,613,992 alleles (0.0022%); highest among the groups gnomAD compares: Admixed American, 0.0083%; no homozygotes.

Submissions (2):

GeneDx
Classification: Uncertain significance. Last evaluated: 2026-03-31. Review status: criteria provided, single submitter. Criteria: GeneDx Variant Classification Process June 2021. Collection method: clinical testing. Allele origin: germline.
Comment: Not observed at significant frequency in large population cohorts (gnomAD); In silico analysis suggests that this missense variant does not alter protein structure/function; Has not been previously published as pathogenic or benign to our knowledge

Ambry Genetics
Classification: Uncertain significance for Inborn genetic diseases. Last evaluated: 2025-06-07. Review status: criteria provided, single submitter. Criteria: Ambry Variant Classification Scheme 2023. Collection method: clinical testing. Allele origin: germline.